The following is an entry in ClinVar:

NM_002692.4(POLE2):c.738G>C (p.Glu246Asp)

Gene: POLE2 (DNA polymerase epsilon 2, accessory subunit; minus strand). Cytogenetic location: 14q21.3.
Variant type: single nucleotide variant.
Coding change: c.738G>C on transcript NM_002692.4 (MANE Select); coding-DNA position 738, G replaced by C.
Protein change: p.Glu246Asp; replaces glutamic acid 246 with aspartic acid.
Molecular consequence: missense variant.
Genome position (GRCh38, 1-based): chr14:49,663,332, C>G on the plus strand (G>C on the coding strand, the complement: POLE2 is on the minus strand). VCF-style: chr14-49663332-C-G. GRCh37 (hg19) VCF-style: chr14-50130050-C-G.
Other names: c.660G>C, p.Glu220Asp (NM_001197330.2); c.738G>C, p.Glu246Asp (NM_001197331.3, NM_001348384.2); c.507G>C, p.Glu169Asp (NM_001348385.2); short protein forms E220D, E246D, E169D.
Identifiers: ClinVar variation 2083417 (VCV002083417.4), dbSNP rs747389165, ClinGen allele CA260657611.
Genomic context (GRCh38, chr14:49,663,332, plus strand): 5'-TATTACCAAATTCCCATAGAGTATAAACCAAACATTTTAATACCTAGTAGTACTAGAGGG[C>G]TCAGTGGGTGGAAATCCAAAGGCATTGACATGAAACACTTGATCTTCAAACCAACCTGAA-3'
Protein context (NP_002683.2, residues 236-256): HVNAFGFPPT[Glu246Asp]PSSTTRAYYG

ClinVar aggregate classification (germline): Uncertain significance (1 of 4 stars; one submission).

Allele frequency attached by ClinVar (database versions not stated): TOPMed below 0.00001.

Submission:

Labcorp Genetics (formerly Invitae), Labcorp
Classification: Uncertain significance. Last evaluated: 2022-02-01. Review status: criteria provided, single submitter. Criteria: Invitae Variant Classification Sherloc (09022015). Collection method: clinical testing. Allele origin: germline.
Comment: In summary, the available evidence is currently insufficient to determine the role of this variant in disease. Therefore, it has been classified as a Variant of Uncertain Significance. Algorithms developed to predict the effect of missense changes on protein structure and function (SIFT, PolyPhen-2, Align-GVGD) all suggest that this variant is likely to be disruptive. This variant has not been reported in the literature in individuals affected with POLE2-related conditions. This variant is not present in population databases (gnomAD no frequency). This sequence change replaces glutamic acid, which is acidic and polar, with aspartic acid, which is acidic and polar, at codon 246 of the POLE2 protein (p.Glu246Asp).